The following is an entry in ClinVar:

NM_000535.7(PMS2):c.1277T>A (p.Leu426His)

Gene: PMS2 (PMS1 homolog 2, mismatch repair system component; minus strand). Cytogenetic location: 7p22.1.
Variant type: single nucleotide variant.
Coding change: c.1277T>A on transcript NM_000535.7 (MANE Select); coding-DNA position 1277, T replaced by A.
Protein change: p.Leu426His; replaces leucine 426 with histidine.
Molecular consequence: missense variant. On other transcripts: non-coding transcript variant (1).
Genome position (GRCh38, 1-based): chr7:5,987,488, A>T on the plus strand (T>A on the coding strand, the complement: PMS2 is on the minus strand). VCF-style: chr7-5987488-A-T. GRCh37 (hg19) VCF-style: chr7-6027119-A-T.
Other names: c.872T>A, p.Leu291His (NM_001322003.2, NM_001322004.2, NM_001322005.2 and 1 more transcripts); c.1121T>A, p.Leu374His (NM_001322006.2); c.959T>A, p.Leu320His (NM_001322007.2, NM_001322008.2); c.716T>A, p.Leu239His (NM_001322010.2); c.344T>A, p.Leu115His (NM_001322011.2, NM_001322012.2); c.704T>A, p.Leu235His (NM_001322013.2); c.1277T>A, p.Leu426His (NM_001322014.2); c.968T>A, p.Leu323His (NM_001322015.2); short protein forms L115H, L235H, L239H, L374H, L291H, L320H, L323H, L426H.
Identifiers: ClinVar variation 841182 (VCV000841182.9), dbSNP rs1783149672, ClinGen allele CA366742429.

ClinVar aggregate classification (germline): Uncertain significance (1 of 4 stars; one submission).

Conditions:
Hereditary nonpolyposis colorectal neoplasms. Identifiers: MedGen C0009405, MeSH D003123.

Submission:

Labcorp Genetics (formerly Invitae), Labcorp
Classification: Uncertain significance for Hereditary nonpolyposis colorectal neoplasms. Last evaluated: 2019-02-04. Review status: criteria provided, single submitter. Criteria: Invitae Variant Classification Sherloc (09022015). Collection method: clinical testing. Allele origin: germline.
Comment: This variant has not been reported in the literature in individuals with PMS2-related conditions. This variant is not present in population databases (ExAC no frequency). This sequence change replaces leucine with histidine at codon 426 of the PMS2 protein (p.Leu426His). The leucine residue is weakly conserved and there is a moderate physicochemical difference between leucine and histidine. In summary, the available evidence is currently insufficient to determine the role of this variant in disease. Therefore, it has been classified as a Variant of Uncertain Significance. Algorithms developed to predict the effect of missense changes on protein structure and function (SIFT, PolyPhen-2, Align-GVGD) all suggest that this variant is likely to be tolerated, but these predictions have not been confirmed by published functional studies and their clinical significance is uncertain.